The following is an entry in ClinVar:

ClinVar aggregate classification (germline): Uncertain significance. Review status: criteria provided, multiple submitters, no conflicts (2 of 4 stars). 2 submissions from 2 submitters: Uncertain significance (2). Last evaluated 2022-07-12.

Conditions:
Hyperaldosteronism, familial, type IV (HALD4). Also called: FH IV; ALDOSTERONISM, PRIMARY, AND HYPERTENSION. Identifiers: Orphanet 642671, MedGen C4310756, MONDO:0014875, OMIM 617027.
Idiopathic generalized epilepsy. Also called: EIG; Generalised epilepsy. Identifiers: MedGen C0270850, MONDO:0005579, OMIM 600669.

Submissions (2):

Labcorp Genetics (formerly Invitae), Labcorp
Classification: Uncertain significance for Idiopathic generalized epilepsy; Hyperaldosteronism, familial, type IV. Last evaluated: 2022-07-12. Review status: criteria provided, single submitter. Criteria: Invitae Variant Classification Sherloc (09022015). Collection method: clinical testing. Allele origin: germline.
Comment: This variant has not been reported in the literature in individuals affected with CACNA1H-related conditions. In summary, the available evidence is currently insufficient to determine the role of this variant in disease. Therefore, it has been classified as a Variant of Uncertain Significance. Advanced modeling of protein sequence and biophysical properties (such as structural, functional, and spatial information, amino acid conservation, physicochemical variation, residue mobility, and thermodynamic stability) performed at Invitae indicates that this missense variant is not expected to disrupt CACNA1H protein function. ClinVar contains an entry for this variant (Variation ID: 569052). This variant is not present in population databases (gnomAD no frequency). This sequence change replaces arginine, which is basic and polar, with serine, which is neutral and polar, at codon 173 of the CACNA1H protein (p.Arg173Ser).

Revvity Omics, Revvity
Classification: Uncertain significance for Hyperaldosteronism, familial, type IV. Last evaluated: 2020-01-09. Review status: criteria provided, single submitter. Criteria: ACMG Guidelines, 2015. Collection method: clinical testing. Allele origin: germline.

NM_021098.3(CACNA1H):c.519G>C (p.Arg173Ser)

Gene: CACNA1H (calcium voltage-gated channel subunit alpha1 H; plus strand). Cytogenetic location: 16p13.3.
Variant type: single nucleotide variant.
Coding change: c.519G>C on transcript NM_021098.3 (MANE Select); coding-DNA position 519, G replaced by C.
Protein change: p.Arg173Ser; replaces arginine 173 with serine.
Molecular consequence: missense variant.
Genome position (GRCh38, 1-based): chr16:1,195,539, G>C. VCF-style: chr16-1195539-G-C. GRCh37 (hg19) VCF-style: chr16-1245539-G-C.
Other names: c.519G>C, p.Arg173Ser (NM_001005407.2); short protein forms R173S.
Identifiers: ClinVar variation 569052 (VCV000569052.11), dbSNP rs1567495146, ClinGen allele CA394153013.